The following is an entry in ClinVar:

NM_020944.3(GBA2):c.1018C>T (p.Arg340Ter)

Gene: GBA2 (glucosylceramidase beta 2; minus strand). Cytogenetic location: 9p13.3.
Variant type: single nucleotide variant.
Coding change: c.1018C>T on transcript NM_020944.3 (MANE Select); coding-DNA position 1018, C replaced by T.
Protein change: p.Arg340Ter; replaces arginine 340 with a stop codon.
Molecular consequence: nonsense.
Genome position (GRCh38, 1-based): chr9:35,740,833, G>A on the plus strand (C>T on the coding strand, the complement: GBA2 is on the minus strand). VCF-style: chr9-35740833-G-A. GRCh37 (hg19) VCF-style: chr9-35740830-G-A.
Other names: c.1018C>T, p.Arg340Ter (NM_001330660.2); short protein forms R340*.
Identifiers: ClinVar variation 41489 (VCV000041489.12), dbSNP rs398123014, ClinGen allele CA130876.

ClinVar aggregate classification (germline): Pathogenic. Review status: criteria provided, multiple submitters, no conflicts (2 of 4 stars). 3 submissions from 3 submitters: Pathogenic (2). 1 of the submissions does not count toward it. Last evaluated 2020-03-18.

Conditions:
Spastic paraplegia. Identifiers: MedGen C0037772, HP:0001258.
Hereditary spastic paraplegia 46. Also called: Spastic paraplegia 46, autosomal recessive. Identifiers: Orphanet 320391, MedGen C2828721, MONDO:0013737, OMIM 614409.

Allele frequency attached by ClinVar (database versions not stated): TOPMed 0.00001; gnomAD 0.00001.
gnomAD v4.1: 4 of 1,613,950 alleles (0.00025%); highest among the groups gnomAD compares: African/African-American, 0.0013%; no homozygotes.

Submissions (3):

Labcorp Genetics (formerly Invitae), Labcorp
Classification: Pathogenic for Spastic paraplegia. Last evaluated: 2020-03-18. Review status: criteria provided, single submitter. Criteria: Invitae Variant Classification Sherloc (09022015). Collection method: clinical testing. Allele origin: germline.
Comment: Loss-of-function variants in GBA2 are known to be pathogenic (PMID: 23332916, 23332917). This variant has been reported to affect GBA2 protein function (PMID: 26220345). This variant has been observed to segregate with clinical features of hereditary spastic paraplegia in families (PMID: 23332917). ClinVar contains an entry for this variant (Variation ID: 41489). This variant is present in population databases (rs398123014, ExAC 0.01%). This sequence change creates a premature translational stop signal (p.Arg340*) in the GBA2 gene. It is expected to result in an absent or disrupted protein product. For these reasons, this variant has been classified as Pathogenic.

SIB Swiss Institute of Bioinformatics
Classification: Pathogenic for Hereditary spastic paraplegia 46. Last evaluated: 2019-01-25. Review status: criteria provided, single submitter. Criteria: ACMG Guidelines, 2015. Collection method: curation. Allele origin: unknown.
Comment: This variant is interpreted as a Pathogenic for Spastic paraplegia 46, autosomal recessive. The following ACMG Tag(s) were applied: PM2 : Absent from controls (or at extremely low frequency if recessive) in Exome Sequencing Project, 1000 Genomes Project, or Exome Aggregation Consortium. PS3-Moderate : PS3 downgraded in strength to Moderate (PMID:26220345). PVS1 : Predicted nullvariant in a gene where LOF is a known mechanism of disease. PP1 : Cosegregation with disease in multiple affected family members in a gene definitively known to cause the disease (PMID:23332917).

OMIM
Classification: Pathogenic for SPASTIC PARAPLEGIA 46, AUTOSOMAL RECESSIVE. Last evaluated: 2013-02-07. Review status: no assertion criteria provided. Collection method: literature only. Allele origin: germline. Not counted in ClinVar's aggregate classification.

Literature cited by the submitters: PubMed 23332916 (cited by Labcorp Genetics (formerly Invitae), Labcorp); PubMed 23332917 (cited by 3 submitters); PubMed 26220345 (cited by Labcorp Genetics (formerly Invitae), Labcorp and SIB Swiss Institute of Bioinformatics).